The following is an entry in ClinVar:

ClinVar aggregate classification (germline): Pathogenic (1 of 4 stars; one submission).

Conditions:
Low phospholipid associated cholelithiasis (GBD1). Also called: Gallbladder disease 1; Gallstone cholecystitis. Identifiers: Orphanet 69663, MedGen C2609268, MONDO:0010939, OMIM 600803.

Submission:

Genomenon, Inc
Classification: Pathogenic for Low phospholipid associated cholelithiasis. Last evaluated: 2026-04-14. Review status: criteria provided, single submitter. Criteria: Genomenon Sequence Variant Interpretation Standards - Updated. Collection method: curation. Allele origin: germline. Affected: yes.
Comment: ABCB4 p.Ser633Ter (c.1898C>G) is a nonsense variant that introduces a premature stop codon at amino acid position 633, creating a truncated protein that is predicted to undergo nonsense-mediated mRNA decay. This variant has been observed in at least one proband with an ABCB4-related disorder (PMID:31538484). It is absent or not present at a significant frequency in gnomAD. In conclusion, we classify ABCB4 p.Ser633Ter (c.1898C>G) as a pathogenic variant.

Literature cited by the submitters: PubMed 31538484.

NM_000443.4(ABCB4):c.1898C>G (p.Ser633Ter)

Gene: ABCB4 (ATP binding cassette subfamily B member 4; minus strand). Cytogenetic location: 7q21.12.
Variant type: single nucleotide variant.
Coding change: c.1898C>G on transcript NM_000443.4 (MANE Select); coding-DNA position 1898, C replaced by G.
Protein change: p.Ser633Ter; replaces serine 633 with a stop codon.
Molecular consequence: nonsense.
Genome position (GRCh38, 1-based): chr7:87,426,916, G>C on the plus strand (C>G on the coding strand, the complement: ABCB4 is on the minus strand). VCF-style: chr7-87426916-G-C. GRCh37 (hg19) VCF-style: chr7-87056232-G-C.
Other names: c.1898C>G, p.Ser633Ter (NM_018849.3, NM_018850.3); short protein forms S633*.
Identifiers: ClinVar variation 4846626 (VCV004846626.1).